The following is an entry in ClinVar:

NM_001042750.2(STAG2):c.2674-3T>C

Gene: STAG2 (STAG2 cohesin complex component; plus strand). Cytogenetic location: Xq25.
Variant type: single nucleotide variant.
Coding change: c.2674-3T>C on transcript NM_001042750.2 (MANE Select); 3 bases into the intron before coding-DNA position 2674, T replaced by C.
Molecular consequence: intron variant.
Genome position (GRCh38, 1-based): chrX:124,077,954, T>C. VCF-style: chrX-124077954-T-C. GRCh37 (hg19) VCF-style: chrX-123211804-T-C.
Other names: c.2674-3T>C (NM_001042749.2, NM_001441077.1, NM_001375366.1 and 23 more transcripts).
Identifiers: ClinVar variation 4695609 (VCV004695609.1).
Genomic context (GRCh38, chrX:124,077,954, plus strand): 5'-ATTTGTCTTATTGTCAAGTAGTTTTAAGAGATAAAGCTCTAATTTGTACAAATTTCTTTA[T>C]AGTATTATAATGACTATGGAGATATCATCAAAGAAACAATGAGTAAAACAAGGCAGATAG-3'

ClinVar aggregate classification (germline): Uncertain significance (1 of 4 stars; one submission).

gnomAD v4.1: 5 of 1,087,834 alleles (0.00046%); highest among the groups gnomAD compares: Non-Finnish European, 0.00037%; no homozygotes.

Submission:

Labcorp Genetics (formerly Invitae), Labcorp
Classification: Uncertain significance. Last evaluated: 2025-10-02. Review status: criteria provided, single submitter. Criteria: Invitae Variant Classification Sherloc (09022015). Collection method: clinical testing. Allele origin: germline.
Comment: This sequence change falls in intron 26 of the STAG2 gene. It does not directly change the encoded amino acid sequence of the STAG2 protein. It affects a nucleotide within the consensus splice site. This variant is not present in population databases (gnomAD no frequency). This variant has not been reported in the literature in individuals affected with STAG2-related conditions. Variants that disrupt the consensus splice site are a relatively common cause of aberrant splicing (PMID: 17576681, 9536098). Algorithms developed to predict the effect of sequence changes on RNA splicing suggest that this variant is not likely to affect RNA splicing. In summary, the available evidence is currently insufficient to determine the role of this variant in disease. Therefore, it has been classified as a Variant of Uncertain Significance.

Literature cited by the submitters: PubMed 17576681; PubMed 9536098.